The following is an entry in ClinVar:

NM_000435.3(NOTCH3):c.4678C>T (p.Arg1560Trp)

Gene: NOTCH3 (notch receptor 3; minus strand). Cytogenetic location: 19p13.12.
Variant type: single nucleotide variant.
Coding change: c.4678C>T on transcript NM_000435.3 (MANE Select); coding-DNA position 4678, C replaced by T.
Protein change: p.Arg1560Trp; replaces arginine 1560 with tryptophan.
Molecular consequence: missense variant.
Genome position (GRCh38, 1-based): chr19:15,174,126, G>A on the plus strand (C>T on the coding strand, the complement: NOTCH3 is on the minus strand). VCF-style: chr19-15174126-G-A. GRCh37 (hg19) VCF-style: chr19-15284937-G-A.
Other names: c.4678C>T (NM_000435.2); short protein forms R1560W.
Identifiers: ClinVar variation 4782140 (VCV004782140.2).

ClinVar aggregate classification (germline): Uncertain significance. Review status: criteria provided, multiple submitters, no conflicts (2 of 4 stars). 2 submissions from 2 submitters: Uncertain significance (2). Last evaluated 2025-09-21.

Conditions:
NOTCH3-related disorder. Also called: NOTCH3-related condition; NOTCH3-related disorders.

gnomAD v4.1: 2 of 1,604,138 alleles (0.00012%); highest among the groups gnomAD compares: Non-Finnish European, 0.000085%; no homozygotes.

Submissions (2):

Labcorp Genetics (formerly Invitae), Labcorp
Classification: Uncertain significance. Last evaluated: 2025-09-21. Review status: criteria provided, single submitter. Criteria: Invitae Variant Classification Sherloc (09022015). Collection method: clinical testing. Allele origin: germline.
Comment: This sequence change replaces arginine, which is basic and polar, with tryptophan, which is neutral and slightly polar, at codon 1560 of the NOTCH3 protein (p.Arg1560Trp). This variant is present in population databases (no rsID available, gnomAD 0.0009%). This variant has not been reported in the literature in individuals affected with NOTCH3-related conditions. Invitae Evidence Modeling of protein sequence and biophysical properties (such as structural, functional, and spatial information, amino acid conservation, physicochemical variation, residue mobility, and thermodynamic stability) indicates that this missense variant is not expected to disrupt NOTCH3 protein function with a negative predictive value of 95%. In summary, the available evidence is currently insufficient to determine the role of this variant in disease. Therefore, it has been classified as a Variant of Uncertain Significance.

PreventionGenetics, part of Exact Sciences
Classification: Uncertain significance for NOTCH3-related condition. Last evaluated: 2024-12-05. Review status: criteria provided, single submitter. Criteria: ACMG Guidelines, 2015. Collection method: clinical testing. Allele origin: germline.
Comment: The NOTCH3 c.4678C>T variant is predicted to result in the amino acid substitution p.Arg1560Trp. To our knowledge, this variant has not been reported in the literature. This variant is reported in 0.00092% of alleles in individuals of European (Non-Finnish) descent in gnomAD. At this time, the clinical significance of this variant is uncertain due to the absence of conclusive functional and genetic evidence.